The following is an entry in ClinVar:

NM_018941.4(CLN8):c.332C>T (p.Thr111Met)

Gene: CLN8 (CLN8 transmembrane ER and ERGIC protein; plus strand). Cytogenetic location: 8p23.3.
Variant type: single nucleotide variant.
Coding change: c.332C>T on transcript NM_018941.4 (MANE Select); coding-DNA position 332, C replaced by T.
Protein change: p.Thr111Met; replaces threonine 111 with methionine.
Molecular consequence: missense variant.
Genome position (GRCh38, 1-based): chr8:1,771,386, C>T. VCF-style: chr8-1771386-C-T. GRCh37 (hg19) VCF-style: chr8-1719552-C-T.
Other names: short protein forms T111M.
Identifiers: ClinVar variation 853899 (VCV000853899.7), dbSNP rs778188757, ClinGen allele CA4599251.
Genomic context (GRCh38, chr8:1,771,386, plus strand): 5'-TGCATGCCGACAAGGCGCGTGGCCAGCAGAACTGGTGCTGGTTTCACATCACGACAGCAA[C>T]GGGATTCTTTTGCTTTGAAAATGTTGCAGTCCACCTGTCCAACTTGATCTTCCGGACATT-3'
Protein context (NP_061764.2, residues 101-121): NWCWFHITTA[Thr111Met]GFFCFENVAV

ClinVar aggregate classification (germline): Uncertain significance. Review status: criteria provided, multiple submitters, no conflicts (2 of 4 stars). 3 submissions from 3 submitters: Uncertain significance (2). 1 of the submissions does not count toward it. Last evaluated 2025-11-03.

Conditions:
Neuronal ceroid lipofuscinosis 8 (CLN8). Also called: CLN8-Related Neuronal Ceroid-Lipofuscinosis. Identifiers: Orphanet 168491, Orphanet 228354, Orphanet 79264, MedGen C1838570, MONDO:0010830, OMIM 600143.
Neuronal ceroid lipofuscinosis. Also called: Neuronal Ceroid Lipofuscinoses. Identifiers: Orphanet 216, Orphanet 79263, MedGen C0027877, MONDO:0016295. Disease mechanism: loss of function.
Inborn genetic diseases. Identifiers: MedGen C0950123, MeSH D030342.

Allele frequency attached by ClinVar (database versions not stated): gnomAD exomes 0.00002 and 0.00004; TOPMed 0.00002; ExAC 0.00003; gnomAD 0.00003 and 0.00004.
gnomAD v4.1: 30 of 1,614,054 alleles (0.0019%); highest among the groups gnomAD compares: African/African-American, 0.0053%; no homozygotes.

Submissions (3):

Ambry Genetics
Classification: Uncertain significance for Inborn genetic diseases. Last evaluated: 2025-11-03. Review status: criteria provided, single submitter. Criteria: Ambry Variant Classification Scheme 2023. Collection method: clinical testing. Allele origin: germline.

Labcorp Genetics (formerly Invitae), Labcorp
Classification: Uncertain significance for Neuronal ceroid lipofuscinosis. Last evaluated: 2024-02-23. Review status: criteria provided, single submitter. Criteria: Invitae Variant Classification Sherloc (09022015). Collection method: clinical testing. Allele origin: germline.
Comment: This sequence change replaces threonine, which is neutral and polar, with methionine, which is neutral and non-polar, at codon 111 of the CLN8 protein (p.Thr111Met). This variant is present in population databases (rs778188757, gnomAD 0.01%). This variant has not been reported in the literature in individuals affected with CLN8-related conditions. ClinVar contains an entry for this variant (Variation ID: 853899). Advanced modeling of protein sequence and biophysical properties (such as structural, functional, and spatial information, amino acid conservation, physicochemical variation, residue mobility, and thermodynamic stability) performed at Invitae indicates that this missense variant is not expected to disrupt CLN8 protein function with a negative predictive value of 80%. In summary, the available evidence is currently insufficient to determine the role of this variant in disease. Therefore, it has been classified as a Variant of Uncertain Significance.

Natera, Inc.
Classification: Uncertain significance for Neuronal ceroid lipofuscinosis 8. Last evaluated: 2020-12-21. Review status: no assertion criteria provided. Collection method: clinical testing. Allele origin: germline. Not counted in ClinVar's aggregate classification.